The following is an entry in ClinVar:

NM_199420.4(POLQ):c.4339C>A (p.Gln1447Lys)

Gene: POLQ (DNA polymerase theta; minus strand). Cytogenetic location: 3q13.33.
Variant type: single nucleotide variant.
Coding change: c.4339C>A on transcript NM_199420.4 (MANE Select); coding-DNA position 4339, C replaced by A.
Protein change: p.Gln1447Lys; replaces glutamine 1447 with lysine.
Molecular consequence: missense variant.
Genome position (GRCh38, 1-based): chr3:121,488,592, G>T on the plus strand (C>A on the coding strand, the complement: POLQ is on the minus strand). VCF-style: chr3-121488592-G-T. GRCh37 (hg19) VCF-style: chr3-121207439-G-T.
Other names: short protein forms Q1447K.
Identifiers: ClinVar variation 3422457 (VCV003422457.1).

ClinVar aggregate classification (germline): Uncertain significance (1 of 4 stars; one submission).

Submission:

Ambry Genetics
Classification: Uncertain significance. Last evaluated: 2024-07-16. Review status: criteria provided, single submitter. Criteria: Ambry Variant Classification Scheme 2023. Collection method: clinical testing. Allele origin: germline.
Comment: The p.Q1447K variant (also known as c.4339C>A), located in coding exon 16 of the POLQ gene, results from a C to A substitution at nucleotide position 4339. The glutamine at codon 1447 is replaced by lysine, an amino acid with similar properties. This amino acid position is conserved. In addition, this alteration is predicted to be tolerated by in silico analysis. Based on the available evidence, the clinical significance of this variant remains unclear.